The following is an entry in ClinVar:

ClinVar aggregate classification (germline): Uncertain significance. Review status: criteria provided, multiple submitters, no conflicts (2 of 4 stars). 2 submissions from 2 submitters: Uncertain significance (2). Last evaluated 2021-08-28.

Conditions:
Osteogenesis imperfecta type 8 (OI8). Identifiers: MedGen C1970458, MONDO:0012581, OMIM 610915.

Submissions (2):

Labcorp Genetics (formerly Invitae), Labcorp
Classification: Uncertain significance for Osteogenesis imperfecta type 8. Last evaluated: 2021-08-28. Review status: criteria provided, single submitter. Criteria: Invitae Variant Classification Sherloc (09022015). Collection method: clinical testing. Allele origin: germline.
Comment: This variant, c.1618_1620del, results in the deletion of 1 amino acid(s) of the P3H1 protein (p.Asn540del), but otherwise preserves the integrity of the reading frame. This variant is not present in population databases (ExAC no frequency). This variant has not been reported in the literature in individuals affected with P3H1-related conditions. Experimental studies and prediction algorithms are not available or were not evaluated, and the functional significance of this variant is currently unknown. In summary, the available evidence is currently insufficient to determine the role of this variant in disease. Therefore, it has been classified as a Variant of Uncertain Significance.

Breakthrough Genomics
Classification: Uncertain significance. Review status: criteria provided, single submitter. Criteria: ACMG Guidelines, 2015. Collection method: not provided. Allele origin: germline. Inheritance: Autosomal recessive inheritance. Affected: yes.

NM_022356.4(P3H1):c.1618_1620del (p.Asn540del)

Gene: P3H1 (prolyl 3-hydroxylase 1; minus strand). Cytogenetic location: 1p34.2.
Variant type: Deletion.
Coding change: c.1618_1620del on transcript NM_022356.4 (MANE Select); coding-DNA positions 1618 to 1620, 3 bases deleted (AAC; older notation c.1618_1620delAAC).
Protein change: p.Asn540del; deletes asparagine 540.
Molecular consequence: inframe deletion.
Genome position (GRCh38, 1-based): chr1:42,750,286-42,750,288, GTT deleted on the plus strand (AAC on the coding strand, the reverse complement: P3H1 is on the minus strand); deleting any 3 consecutive bases within chr1:42,750,286-42,750,290 gives the same sequence; the c. name uses the placement nearest the transcript's 3' end. VCF-style (leftmost placement, unchanged base first): chr1-42750285-CGTT-C. GRCh37 (hg19) VCF-style: chr1-43215956-CGTT-C.
Other names: c.1618_1620del, p.Asn540del (NM_001146289.2, NM_001243246.2); c.1618_1620delAAC (NM_022356.3); short protein forms N540del.
Identifiers: ClinVar variation 582930 (VCV000582930.6), dbSNP rs1557562500, ClinGen allele CA891842436.